The following is an entry in ClinVar:

ClinVar aggregate classification (germline): Uncertain significance (1 of 4 stars; one submission).

Conditions:
Phenylketonuria (PKU). Also called: FOLLING DISEASE; OLIGOPHRENIA PHENYLPYRUVICA; Phenylketonurias; Phenylketonuria (PKU). Identifiers: Orphanet 716, MedGen C0031485, MONDO:0009861, OMIM 261600. Disease mechanism: loss of function.

Submission:

Myriad Genetics, Inc.
Classification: Uncertain significance for Phenylketonuria. Last evaluated: 2026-03-03. Review status: criteria provided, single submitter. Criteria: Myriad Autosomal Dominant, Autosomal Recessive and X-Linked Classification Criteria (2023). Collection method: clinical testing. Allele origin: unknown.
Comment: NM_000277.1(PAH):c.454C>A(P152T) is a missense variant classified as a variant of uncertain significance in the context of phenylalanine hydroxylase deficiency. P152T has been observed in cases with relevant disease (PMID: 30747360). Relevant functional assessments of this variant are not available in the literature. P152T has not been observed in referenced population frequency databases. In summary, there is insufficient evidence to classify NM_000277.1(PAH):c.454C>A(P152T) as pathogenic or benign. Please note: this variant was assessed in the context of healthy population screening.

Literature cited by the submitters: PubMed 30747360.

NM_000277.3(PAH):c.454C>A (p.Pro152Thr)

Gene: PAH (phenylalanine hydroxylase; minus strand). Cytogenetic location: 12q23.2.
Variant type: single nucleotide variant.
Coding change: c.454C>A on transcript NM_000277.3 (MANE Select); coding-DNA position 454, C replaced by A.
Protein change: p.Pro152Thr; replaces proline 152 with threonine.
Molecular consequence: missense variant.
Genome position (GRCh38, 1-based): chr12:102,866,651, G>T on the plus strand (C>A on the coding strand, the complement: PAH is on the minus strand). VCF-style: chr12-102866651-G-T. GRCh37 (hg19) VCF-style: chr12-103260429-G-T.
Other names: c.454C>A, p.Pro152Thr (NM_001354304.2); short protein forms P152T.
Identifiers: ClinVar variation 5003556 (VCV005003556.1).